The following is an entry in ClinVar:

NM_000492.4(CFTR):c.563T>G (p.Leu188Arg)

Gene: CFTR (CF transmembrane conductance regulator; plus strand). Cytogenetic location: 7q31.2.
Variant type: single nucleotide variant.
Coding change: c.563T>G on transcript NM_000492.4 (MANE Select); coding-DNA position 563, T replaced by G.
Protein change: p.Leu188Arg; replaces leucine 188 with arginine.
Molecular consequence: missense variant.
Genome position (GRCh38, 1-based): chr7:117,534,349, T>G. VCF-style: chr7-117534349-T-G. GRCh37 (hg19) VCF-style: chr7-117174403-T-G.
Other names: short protein forms L188R.
Identifiers: ClinVar variation 3373313 (VCV003373313.1).

ClinVar aggregate classification (germline): Uncertain significance (1 of 4 stars; one submission).

Submission:

GeneDx
Classification: Uncertain significance. Last evaluated: 2024-05-02. Review status: criteria provided, single submitter. Criteria: GeneDx Variant Classification Process June 2021. Collection method: clinical testing. Allele origin: germline. Affected: yes.
Comment: Not observed at significant frequency in large population cohorts (gnomAD); In silico analysis supports that this missense variant has a deleterious effect on protein structure/function; Has not been previously published as pathogenic or benign to our knowledge